The following is an entry in ClinVar:

NM_001543.5(NDST1):c.624C>T (p.Tyr208=)

Gene: NDST1 (N-deacetylase and N-sulfotransferase 1; plus strand). Cytogenetic location: 5q33.1.
Variant type: single nucleotide variant.
Coding change: c.624C>T on transcript NM_001543.5 (MANE Select); coding-DNA position 624, C replaced by T.
Protein change: p.Tyr208=; no amino-acid change (tyrosine 208 retained).
Molecular consequence: synonymous variant.
Genome position (GRCh38, 1-based): chr5:150,527,914, C>T. VCF-style: chr5-150527914-C-T. GRCh37 (hg19) VCF-style: chr5-149907476-C-T.
Other names: c.624C>T, p.Tyr208= (NM_001301063.2).
Identifiers: ClinVar variation 732037 (VCV000732037.33), dbSNP rs200548878, ClinGen allele CA3512451.

ClinVar aggregate classification (germline): Likely benign. Review status: criteria provided, multiple submitters, no conflicts (2 of 4 stars). 4 submissions from 4 submitters: Likely benign (3). 1 of the submissions does not count toward it. Last evaluated 2025-12-01.

Conditions:
NDST1-related disorder. Also called: NDST1-related condition.

Allele frequency attached by ClinVar (database versions not stated): ExAC 0.00003; gnomAD 0.00003; gnomAD exomes 0.00004 and 0.00005; TOPMed 0.00004; 1000 Genomes Project 30x 0.00016; 1000 Genomes Project 0.00020.
gnomAD v4.1: 75 of 1,614,226 alleles (0.0046%); highest among the groups gnomAD compares: East Asian, 0.011%; no homozygotes.

Submissions (4):

CeGaT Center for Human Genetics Tuebingen
Classification: Likely benign. Last evaluated: 2025-12-01. Review status: criteria provided, single submitter. Criteria: CeGaT Center For Human Genetics Tuebingen Variant Classification Criteria Version 2. Collection method: clinical testing. Allele origin: germline. Affected: yes. Observed: 3 variant alleles.
Comment: NDST1: BP4, BP7

Labcorp Genetics (formerly Invitae), Labcorp
Classification: Likely benign. Last evaluated: 2025-07-21. Review status: criteria provided, single submitter. Criteria: Invitae Variant Classification Sherloc (09022015). Collection method: clinical testing. Allele origin: germline.

Blueprint Genetics
Classification: Likely benign. Last evaluated: 2024-08-09. Review status: criteria provided, single submitter. Criteria: ACMG Guidelines, 2015. Collection method: clinical testing. Allele origin: germline.

PreventionGenetics, part of Exact Sciences
Classification: Likely benign for NDST1-related condition. Last evaluated: 2019-04-17. Review status: no assertion criteria provided. Collection method: clinical testing. Allele origin: germline. Not counted in ClinVar's aggregate classification.
Comment: This variant is classified as likely benign based on ACMG/AMP sequence variant interpretation guidelines (Richards et al. 2015 PMID: 25741868, with internal and published modifications).